The following is an entry in ClinVar:

ClinVar aggregate classification (germline): Uncertain significance (1 of 4 stars; one submission).

Submission:

Ambry Genetics
Classification: Uncertain significance. Last evaluated: 2024-11-12. Review status: criteria provided, single submitter. Criteria: Ambry Variant Classification Scheme 2023. Collection method: clinical testing. Allele origin: germline.
Comment: The p.A239S variant (also known as c.715G>T), located in coding exon 1 of the PALLD gene, results from a G to T substitution at nucleotide position 715. The alanine at codon 239 is replaced by serine, an amino acid with similar properties. This amino acid position is conserved. In addition, this alteration is predicted to be tolerated by in silico analysis. Based on the available evidence, the clinical significance of this variant remains unclear.

NM_001166108.2(PALLD):c.715G>T (p.Ala239Ser)

Gene: PALLD (palladin, cytoskeletal associated protein; plus strand). Cytogenetic location: 4q32.3.
Variant type: single nucleotide variant.
Coding change: c.715G>T on transcript NM_001166108.2 (MANE Select); coding-DNA position 715, G replaced by T.
Protein change: p.Ala239Ser; replaces alanine 239 with serine.
Molecular consequence: missense variant.
Genome position (GRCh38, 1-based): chr4:168,512,219, G>T. VCF-style: chr4-168512219-G-T. GRCh37 (hg19) VCF-style: chr4-169433370-G-T.
Other names: c.715G>T, p.Ala239Ser (NM_016081.4); short protein forms A239S.
Identifiers: ClinVar variation 3413658 (VCV003413658.1).